The following is an entry in ClinVar:

NM_004370.6(COL12A1):c.8179-10A>G

Gene: COL12A1 (collagen type XII alpha 1 chain; minus strand). Cytogenetic location: 6q13.
Variant type: single nucleotide variant.
Coding change: c.8179-10A>G on transcript NM_004370.6 (MANE Select); 10 bases into the intron before coding-DNA position 8179, A replaced by G.
Molecular consequence: intron variant.
Genome position (GRCh38, 1-based): chr6:75,105,302, T>C on the plus strand (A>G on the coding strand, the complement: COL12A1 is on the minus strand). VCF-style: chr6-75105302-T-C. GRCh37 (hg19) VCF-style: chr6-75815018-T-C.
Other names: p.?; c.4687-10A>G (NM_080645.3).
Identifiers: ClinVar variation 542514 (VCV000542514.16), dbSNP rs142509363, ClinGen allele CA3892351.

ClinVar aggregate classification (germline): Benign/Likely benign. Review status: criteria provided, multiple submitters, no conflicts (2 of 4 stars). 4 submissions from 4 submitters: Benign (1); Likely benign (3). Last evaluated 2026-04-07.

Conditions:
Ullrich congenital muscular dystrophy 2 (UCMD2). Identifiers: Orphanet 75840, MedGen C4225314, MONDO:0014654, OMIM 616470.
Bethlem myopathy 2 (BTHLM2). Identifiers: Orphanet 536516, Orphanet 610, MedGen C4225313, MONDO:0034022, OMIM 616471.

Allele frequency attached by ClinVar (database versions not stated): gnomAD exomes 0.00009 and 0.00018; ExAC 0.00025; gnomAD 0.00096 and 0.00101; ESP Exome Variant Server 0.00110; 1000 Genomes Project 0.00120; TOPMed 0.00120; 1000 Genomes Project 30x 0.00172.
gnomAD v4.1: 282 of 1,609,888 alleles (0.018%); highest among the groups gnomAD compares: African/African-American, 0.35%; no homozygotes.

Submissions (4):

Women's Health and Genetics/Laboratory Corporation of America, LabCorp
Classification: Likely benign. Last evaluated: 2026-04-07. Review status: criteria provided, single submitter. Criteria: LabCorp Variant Classification Summary - May 2015. Collection method: clinical testing. Allele origin: germline.

Labcorp Genetics (formerly Invitae), Labcorp
Classification: Benign for Bethlem myopathy 2; Ullrich congenital muscular dystrophy 2. Last evaluated: 2026-01-09. Review status: criteria provided, single submitter. Criteria: Invitae Variant Classification Sherloc (09022015). Collection method: clinical testing. Allele origin: germline.

Mayo Clinic Laboratories, Mayo Clinic
Classification: Likely benign. Last evaluated: 2025-03-05. Review status: criteria provided, single submitter. Criteria: ACMG Guidelines, 2015. Collection method: clinical testing. Allele origin: germline. Observed: 1 variant allele.
Comment: BS1, BP4, BP7

GeneDx
Classification: Likely benign. Last evaluated: 2020-09-17. Review status: criteria provided, single submitter. Criteria: GeneDx Variant Classification Process June 2021. Collection method: clinical testing. Allele origin: germline. Affected: yes.